The following is an entry in ClinVar:

NM_000426.4(LAMA2):c.4496G>A (p.Arg1499Gln)

Gene: LAMA2 (laminin subunit alpha 2; plus strand). Cytogenetic location: 6q22.33.
Variant type: single nucleotide variant.
Coding change: c.4496G>A on transcript NM_000426.4 (MANE Select); coding-DNA position 4496, G replaced by A.
Protein change: p.Arg1499Gln; replaces arginine 1499 with glutamine.
Molecular consequence: missense variant.
Genome position (GRCh38, 1-based): chr6:129,349,357, G>A. VCF-style: chr6-129349357-G-A. GRCh37 (hg19) VCF-style: chr6-129670502-G-A.
Other names: c.4496G>A, p.Arg1499Gln (NM_001079823.2); short protein forms R1499Q.
Identifiers: ClinVar variation 2043271 (VCV002043271.2), dbSNP rs375100782, ClinGen allele CA146907058.

ClinVar aggregate classification (germline): Uncertain significance. Review status: criteria provided, multiple submitters, no conflicts (2 of 4 stars). 2 submissions from 2 submitters: Uncertain significance (2). Last evaluated 2024-07-06.

Conditions:
LAMA2-related muscular dystrophy (LAMA2-RD). Also called: Laminin alpha 2-related dystrophy. Identifiers: MedGen C5679788, MONDO:0100228.

Allele frequency attached by ClinVar (database versions not stated): ESP Exome Variant Server 0.00008.
gnomAD v4.1: 13 of 1,613,500 alleles (0.00081%); highest among the groups gnomAD compares: Admixed American, 0.0017%; no homozygotes.

Submissions (2):

GeneDx
Classification: Uncertain significance. Last evaluated: 2024-07-06. Review status: criteria provided, single submitter. Criteria: GeneDx Variant Classification Process June 2021. Collection method: clinical testing. Allele origin: germline. Affected: yes.
Comment: Not observed at significant frequency in large population cohorts (gnomAD); In silico analysis indicates that this missense variant does not alter protein structure/function; Has not been previously published as pathogenic or benign to our knowledge

Labcorp Genetics (formerly Invitae), Labcorp
Classification: Uncertain significance for LAMA2-related muscular dystrophy. Last evaluated: 2022-03-12. Review status: criteria provided, single submitter. Criteria: Invitae Variant Classification Sherloc (09022015). Collection method: clinical testing. Allele origin: germline.
Comment: This sequence change replaces arginine, which is basic and polar, with glutamine, which is neutral and polar, at codon 1499 of the LAMA2 protein (p.Arg1499Gln). This variant is present in population databases (rs375100782, gnomAD 0.003%). This variant has not been reported in the literature in individuals affected with LAMA2-related conditions. Advanced modeling of protein sequence and biophysical properties (such as structural, functional, and spatial information, amino acid conservation, physicochemical variation, residue mobility, and thermodynamic stability) performed at Invitae indicates that this missense variant is not expected to disrupt LAMA2 protein function. Algorithms developed to predict the effect of sequence changes on RNA splicing suggest that this variant may create or strengthen a splice site. In summary, the available evidence is currently insufficient to determine the role of this variant in disease. Therefore, it has been classified as a Variant of Uncertain Significance.